The following is an entry in ClinVar:

NM_004795.4(KL):c.140G>A (p.Arg47Gln)

Gene: KL (klotho; plus strand). Cytogenetic location: 13q13.1.
Variant type: single nucleotide variant.
Coding change: c.140G>A on transcript NM_004795.4 (MANE Select); coding-DNA position 140, G replaced by A.
Protein change: p.Arg47Gln; replaces arginine 47 with glutamine.
Molecular consequence: missense variant.
Genome position (GRCh38, 1-based): chr13:33,016,580, G>A. VCF-style: chr13-33016580-G-A. GRCh37 (hg19) VCF-style: chr13-33590718-G-A.
Other names: p.Arg47Gln; short protein forms R47Q.
Identifiers: ClinVar variation 311678 (VCV000311678.14), dbSNP rs201936594, ClinGen allele CA6943839.

ClinVar aggregate classification (germline): Benign. Review status: criteria provided, multiple submitters, no conflicts (2 of 4 stars). 4 submissions from 4 submitters: Benign (4). Last evaluated 2026-01-26.

Conditions:
Tumoral calcinosis, hyperphosphatemic, familial, 3. Identifiers: MedGen C4693864, MONDO:0060715, OMIM 617994.

Allele frequency attached by ClinVar (database versions not stated): ExAC 0.00427; ESP Exome Variant Server 0.00908; gnomAD 0.01094 and 0.01179; 1000 Genomes Project 0.01118; 1000 Genomes Project 30x 0.01296; TOPMed 0.01334.
gnomAD v4.1: 3,205 of 1,483,644 alleles (0.22%); highest among the groups gnomAD compares: African/African-American, 3.7%; 62 homozygotes.

Submissions (4):

Labcorp Genetics (formerly Invitae), Labcorp
Classification: Benign. Last evaluated: 2026-01-26. Review status: criteria provided, single submitter. Criteria: Invitae Variant Classification Sherloc (09022015). Collection method: clinical testing. Allele origin: germline.

Mayo Clinic Laboratories, Mayo Clinic
Classification: Benign. Last evaluated: 2023-12-22. Review status: criteria provided, single submitter. Criteria: ACMG Guidelines, 2015. Collection method: clinical testing. Allele origin: germline. Observed: 4 variant alleles.
Comment: BS1, BS2, BP4

Illumina Laboratory Services, Illumina
Classification: Benign for Tumoral calcinosis, hyperphosphatemic, familial, 3. Last evaluated: 2018-01-12. Review status: criteria provided, single submitter. Criteria: ICSL Variant Classification Criteria 13 December 2019. Collection method: clinical testing. Allele origin: germline.
Comment: This variant was observed in the ICSL laboratory as part of a predisposition screen in an ostensibly healthy population. It had not been previously curated by ICSL or reported in the Human Gene Mutation Database (HGMD: prior to June 1st, 2018), and was therefore a candidate for classification through an automated scoring system. Utilizing variant allele frequency, disease prevalence and penetrance estimates, and inheritance mode, an automated score was calculated to assess if this variant is too frequent to cause the disease. Based on the score and internal cut-off values, a variant classified as benign is not then subjected to further curation. The score for this variant resulted in a classification of benign for this disease.

Breakthrough Genomics
Classification: Benign. Review status: criteria provided, single submitter. Criteria: ACMG Guidelines, 2015. Collection method: not provided. Allele origin: germline. Inheritance: Autosomal recessive inheritance. Affected: yes.